The following is an entry in ClinVar:

NM_001164508.2(NEB):c.11826G>A (p.Trp3942Ter)

Gene: NEB (nebulin; minus strand). Cytogenetic location: 2q23.3.
Variant type: single nucleotide variant.
Coding change: c.11826G>A on transcript NM_001164508.2 (MANE Select); coding-DNA position 11826, G replaced by A.
Protein change: p.Trp3942Ter; replaces tryptophan 3942 with a stop codon.
Molecular consequence: nonsense.
Genome position (GRCh38, 1-based): chr2:151,610,846, C>T on the plus strand (G>A on the coding strand, the complement: NEB is on the minus strand). VCF-style: chr2-151610846-C-T. GRCh37 (hg19) VCF-style: chr2-152467360-C-T.
Other names: c.11826G>A, p.Trp3942Ter (NM_001164507.2, NM_001271208.2); c.11097G>A, p.Trp3699Ter (NM_004543.5); short protein forms W3699*, W3942*.
Identifiers: ClinVar variation 5014493 (VCV005014493.1).
Genomic context (GRCh38, chr2:151,610,846, plus strand): 5'-CTTGGCCAGCAGGATATCTGGGGTGTCTGGCATCACGTGGATGGAGGTTTTGTCAGCATC[C>T]CAAGCTTCTGTGTATAAATGCTACAGGGCAGGGCGGCATGGGGCATGGGGAGAGGGAGGG-3'

ClinVar aggregate classification (germline): Pathogenic (1 of 4 stars; one submission).

Conditions:
Nemaline myopathy 2 (NEM2). Also called: Nemaline myopathy 2, autosomal recessive. Identifiers: MedGen C1850569, MONDO:0009725, OMIM 256030.

Submission:

Myriad Genetics, Inc.
Classification: Pathogenic for Nemaline myopathy 2. Last evaluated: 2025-05-21. Review status: criteria provided, single submitter. Criteria: Myriad Autosomal Dominant, Autosomal Recessive and X-Linked Classification Criteria (2023). Collection method: clinical testing. Allele origin: unknown.
Comment: NM_001271208.1(NEB):c.11826G>A(W3942*) is expected to be pathogenic in the context of NEB-related nemaline myopathy. This variant is predicted to lead to an abnormal or absent protein product due to the creation of a premature termination codon in NEB, a gene where loss-of-function variants are known to be pathogenic. Please note: this variant was assessed in the context of healthy population screening.